The following is an entry in ClinVar:

NM_016507.4(CDK12):c.650A>G (p.Lys217Arg)

Genes: CDK12 (cyclin dependent kinase 12; plus strand), LOC126862553 (CDK7 strongly-dependent group 2 enhancer GRCh37_chr17:37618166-37619365; plus strand). Cytogenetic location: 17q12.
Variant type: single nucleotide variant.
Coding change: c.650A>G on transcript NM_016507.4 (MANE Select); coding-DNA position 650, A replaced by G.
Protein change: p.Lys217Arg; replaces lysine 217 with arginine.
Molecular consequence: missense variant.
Genome position (GRCh38, 1-based): chr17:39,462,721, A>G. VCF-style: chr17-39462721-A-G. GRCh37 (hg19) VCF-style: chr17-37618974-A-G.
Other names: c.650A>G, p.Lys217Arg (NM_015083.4); short protein forms K217R.
Identifiers: ClinVar variation 4868530 (VCV004868530.1).

ClinVar aggregate classification (germline): Uncertain significance (1 of 4 stars; one submission).

Submission:

Ambry Genetics
Classification: Uncertain significance. Last evaluated: 2026-05-14. Review status: criteria provided, single submitter. Criteria: Ambry Variant Classification Scheme 2023. Collection method: clinical testing. Allele origin: germline.
Comment: The p.K217R variant (also known as c.650A>G), located in coding exon 1 of the CDK12 gene, results from an A to G substitution at nucleotide position 650. The lysine at codon 217 is replaced by arginine, an amino acid with highly similar properties. This amino acid position is conserved. In addition, this alteration is predicted to be tolerated by in silico analysis. Based on the available evidence, the clinical significance of this variant remains unclear.